The following is an entry in ClinVar:

ClinVar aggregate classification (germline): Conflicting classifications of pathogenicity. Review status: criteria provided, conflicting classifications (1 of 4 stars). 5 submissions from 5 submitters: Uncertain significance (1); Likely benign (4). Last evaluated 2026-05-18.

Conditions:
Cardiovascular phenotype. Identifiers: MedGen CN230736.
Atrial fibrillation, familial, 12 (ATFB12). Identifiers: MedGen C3279695, MONDO:0013545, OMIM 614050.
Hypertrichotic osteochondrodysplasia Cantu type. Also called: Cantu Syndrome; Cantú Syndrome. Identifiers: Orphanet 1517, MedGen C0795905, MONDO:0009406, OMIM 239850.
Dilated cardiomyopathy 1O (CMD1O). Also called: CARDIOMYOPATHY, DILATED, WITH VENTRICULAR TACHYCARDIA. Identifiers: Orphanet 154, MedGen C1837839, MONDO:0012062, OMIM 608569.
Intellectual disability and myopathy syndrome (IDMYS). Identifiers: MedGen C5676904, MONDO:0859224, OMIM 619719.

Allele frequency attached by ClinVar (database versions not stated): gnomAD exomes 0.00002 and 0.00001; ExAC 0.00002; TOPMed 0.00006; ESP Exome Variant Server 0.00023; gnomAD 0.00002.
gnomAD v4.1: 11 of 1,613,170 alleles (0.00068%); highest among the groups gnomAD compares: African/African-American, 0.015%; no homozygotes.

Submissions (5):

Women's Health and Genetics/Laboratory Corporation of America, LabCorp
Classification: Likely benign. Last evaluated: 2026-05-18. Review status: criteria provided, single submitter. Criteria: LabCorp Variant Classification Summary - May 2015. Collection method: clinical testing. Allele origin: germline.

Labcorp Genetics (formerly Invitae), Labcorp
Classification: Likely benign for Dilated cardiomyopathy 1O. Last evaluated: 2025-08-17. Review status: criteria provided, single submitter. Criteria: Invitae Variant Classification Sherloc (09022015). Collection method: clinical testing. Allele origin: germline.

Fulgent Genetics
Classification: Uncertain significance for Hypertrichotic osteochondrodysplasia Cantu type; Dilated cardiomyopathy 1O; Atrial fibrillation, familial, 12; Intellectual disability and myopathy syndrome. Last evaluated: 2024-01-05. Review status: criteria provided, single submitter. Criteria: ACMG Guidelines, 2015. Collection method: clinical testing. Allele origin: germline.

Ambry Genetics
Classification: Likely benign for Cardiovascular phenotype. Last evaluated: 2019-10-23. Review status: criteria provided, single submitter. Criteria: Ambry Variant Classification Scheme 2023. Collection method: clinical testing. Allele origin: germline.

Laboratory for Molecular Medicine, Mass General Brigham Personalized Medicine
Classification: Likely benign. Last evaluated: 2012-04-10. Review status: criteria provided, single submitter. Criteria: LMM Criteria. Collection method: clinical testing. Allele origin: germline. Observed: 1 variant allele.
Comment: Leu306Leu in exon 6 of ABCC9: This variant is not expected to have clinical sign ificance because it does not alter an amino acid residue and is not located with in the splice consensus sequence. It has been identified in 3/3738 African Ameri can chromosomes from a broad population by the NHLBI Exome Sequencing Project (dbSNP rs142115849). Leu306Leu in exon 6 of A BCC9 (rs142115849; allele frequency = 3/3738) **

NM_020297.4(ABCC9):c.918G>A (p.Leu306=)

Gene: ABCC9 (ATP binding cassette subfamily C member 9; minus strand). Cytogenetic location: 12p12.1.
Variant type: single nucleotide variant.
Coding change: c.918G>A on transcript NM_020297.4 (MANE Select); coding-DNA position 918, G replaced by A.
Protein change: p.Leu306=; no amino-acid change (leucine 306 retained).
Molecular consequence: synonymous variant.
Genome position (GRCh38, 1-based): chr12:21,912,965, C>T on the plus strand (G>A on the coding strand, the complement: ABCC9 is on the minus strand). VCF-style: chr12-21912965-C-T. GRCh37 (hg19) VCF-style: chr12-22065899-C-T.
Other names: c.918G>A, p.Leu306= (NM_001377273.1, NM_005691.4); c.54G>A, p.Leu18= (NM_001377274.1).
Identifiers: ClinVar variation 45423 (VCV000045423.15), dbSNP rs142115849, ClinGen allele CA136312.